The following is an entry in ClinVar:

NM_001039469.3(MARK2):c.1780C>T (p.Arg594Ter)

Gene: MARK2 (microtubule affinity regulating kinase 2; plus strand). Cytogenetic location: 11q13.1.
Variant type: single nucleotide variant.
Coding change: c.1780C>T on transcript NM_001039469.3 (MANE Select); coding-DNA position 1780, C replaced by T.
Protein change: p.Arg594Ter; replaces arginine 594 with a stop codon.
Molecular consequence: nonsense.
Genome position (GRCh38, 1-based): chr11:63,904,889, C>T. VCF-style: chr11-63904889-C-T. GRCh37 (hg19) VCF-style: chr11-63672361-C-T.
Other names: c.1618C>T, p.Arg540Ter (NM_001163296.2); c.1615C>T, p.Arg539Ter (NM_001163297.2, NM_004954.5); c.1678C>T, p.Arg560Ter (NM_017490.4); short protein forms R539*, R540*, R560*, R594*.
Identifiers: ClinVar variation 4075487 (VCV004075487.2).
Genomic context (GRCh38, chr11:63,904,889, plus strand): 5'-AACATCAGCAGCAGTGGTGGAGCCCCAGACCGAACTAACTTCCCCCGGGGTGTGTCCAGC[C>T]GAAGCACCTTCCATGCTGGGCAGCTCCGACAGGTGCGGGACCAGCAGAATTTGCCCTACG-3'

ClinVar aggregate classification (germline): Pathogenic. Review status: criteria provided, multiple submitters, no conflicts (2 of 4 stars). 2 submissions from 2 submitters: Pathogenic (2). Last evaluated 2026-07-07.

Submissions (2):

Ambry Genetics
Classification: Pathogenic. Last evaluated: 2026-07-07. Review status: criteria provided, single submitter. Criteria: Ambry Variant Classification Scheme 2023. Collection method: clinical testing. Allele origin: germline.
Comment: The c.1780C>T (p.R594*) alteration, located in exon 16 (coding exon 16) of the MARK2 gene, consists of a C to T substitution at nucleotide position 1780. This changes the amino acid from an arginine (R) to a stop codon at amino acid position 594. This variant is expected to result in loss of function by premature protein truncation or nonsense-mediated mRNA decay. This variant was not reported in population-based cohorts in the Genome Aggregation Database (gnomAD). Based on the available evidence, this alteration is classified as pathogenic.

GeneDx
Classification: Pathogenic. Last evaluated: 2025-02-12. Review status: criteria provided, single submitter. Criteria: GeneDx Variant Classification Process June 2021. Collection method: clinical testing. Allele origin: germline. Affected: yes.
Comment: Nonsense variant predicted to result in protein truncation or nonsense mediated decay in a gene for which loss of function is a known mechanism of disease; Not observed at significant frequency in large population cohorts (gnomAD); Has not been previously published as pathogenic or benign to our knowledge